The following is an entry in ClinVar:

ClinVar aggregate classification (germline): Benign. Review status: criteria provided, multiple submitters, no conflicts (2 of 4 stars). 6 submissions from 6 submitters: Benign (5). 1 of the submissions does not count toward it. Last evaluated 2026-01-27.

Conditions:
Epidermolysis bullosa simplex 5C, with pyloric atresia (EBS5C). Also called: PLEC-Related Epidermolysis Bullosa with Pyloric Atresia; Epidermolysis bullosa simplex with pyloric atresia; PLEC1-Related Epidermolysis Bullosa with Pyloric Atresia. Identifiers: Orphanet 158684, MedGen C2677349, MONDO:0012807, OMIM 612138.
Autosomal recessive limb-girdle muscular dystrophy type 2Q (LGMDR17). Also called: MUSCULAR DYSTROPHY, LIMB-GIRDLE, AUTOSOMAL RECESSIVE 17. Identifiers: Orphanet 254361, MedGen C3150989, MONDO:0013390, OMIM 613723.
Epidermolysis bullosa simplex with nail dystrophy (EBS5D). Identifiers: MedGen C4225309, MONDO:0014661, OMIM 616487.
Epidermolysis bullosa simplex 5B, with muscular dystrophy (EBS5B). Also called: Epidermolysis bullosa simplex with muscular dystrophy; EPIDERMOLYSIS BULLOSA SIMPLEX AND LIMB-GIRDLE MUSCULAR DYSTROPHY. Identifiers: Orphanet 257, MedGen C2931072, MONDO:0009181, OMIM 226670.
Epidermolysis bullosa simplex, Ogna type (EBS5A). Also called: Pidermolysis bullosa simplex 5A, Ogna type; EPIDERMOLYSIS BULLOSA SIMPLEX 5A, OGNA TYPE. Identifiers: Orphanet 79401, MedGen C0432317, MONDO:0007555, OMIM 131950.

Allele frequency attached by ClinVar (database versions not stated): gnomAD exomes 0.00317 and 0.00803; ExAC 0.01384; gnomAD 0.03390 and 0.03656; TOPMed 0.03767; 1000 Genomes Project 30x 0.03919; ESP Exome Variant Server 0.03540; 1000 Genomes Project 0.03574.
gnomAD v4.1: 9,872 of 1,580,540 alleles (0.62%); highest among the groups gnomAD compares: African/African-American, 12%; 550 homozygotes.

Submissions (6):

Labcorp Genetics (formerly Invitae), Labcorp
Classification: Benign for Autosomal recessive limb-girdle muscular dystrophy type 2Q; Epidermolysis bullosa simplex, Ogna type; Epidermolysis bullosa simplex with nail dystrophy; Epidermolysis bullosa simplex 5C, with pyloric atresia; Epidermolysis bullosa simplex 5B, with muscular dystrophy. Last evaluated: 2026-01-27. Review status: criteria provided, single submitter. Criteria: Invitae Variant Classification Sherloc (09022015). Collection method: clinical testing. Allele origin: germline.

Mayo Clinic Laboratories, Mayo Clinic
Classification: Benign. Last evaluated: 2018-02-19. Review status: criteria provided, single submitter. Criteria: ACMG Guidelines, 2015. Collection method: clinical testing. Allele origin: germline. Observed: 38 variant alleles.

GeneDx
Classification: Benign. Last evaluated: 2016-03-29. Review status: criteria provided, single submitter. Criteria: GeneDx Variant Classification (06012015). Collection method: clinical testing. Allele origin: germline. Affected: yes.
Comment: This variant is considered likely benign or benign based on one or more of the following criteria: it is a conservative change, it occurs at a poorly conserved position in the protein, it is predicted to be benign by multiple in silico algorithms, and/or has population frequency not consistent with disease.

Eurofins Ntd Llc (ga)
Classification: Benign. Last evaluated: 2015-05-14. Review status: criteria provided, single submitter. Criteria: EGL Classification Definitions 2015. Collection method: clinical testing. Allele origin: germline. Observed: 2 variant alleles, 2 heterozygotes.

Breakthrough Genomics
Classification: Benign. Review status: criteria provided, single submitter. Criteria: ACMG Guidelines, 2015. Collection method: not provided. Allele origin: germline. Inheritance: Autosomal recessive inheritance. Affected: yes.

Genetic Services Laboratory, University of Chicago
Classification: Likely benign for AllHighlyPenetrant. Review status: no assertion criteria provided. Collection method: clinical testing. Allele origin: germline. Inheritance: Autosomal recessive inheritance. Not counted in ClinVar's aggregate classification.
Comment: Likely benign based on allele frequency in 1000 Genomes Project or ESP global frequency and its presence in a patient with a rare or unrelated disease phenotype. NOT Sanger confirmed.

NM_201384.3(PLEC):c.2548G>A (p.Ala850Thr)

Gene: PLEC (plectin; minus strand). Cytogenetic location: 8q24.3.
Variant type: single nucleotide variant.
Coding change: c.2548G>A on transcript NM_201384.3 (MANE Select); coding-DNA position 2548, G replaced by A.
Protein change: p.Ala850Thr; replaces alanine 850 with threonine.
Molecular consequence: missense variant.
Genome position (GRCh38, 1-based): chr8:143,930,208, C>T on the plus strand (G>A on the coding strand, the complement: PLEC is on the minus strand). VCF-style: chr8-143930208-C-T. GRCh37 (hg19) VCF-style: chr8-145004376-C-T.
Other names: p.Ala836Thr; c.2629G>A, p.Ala877Thr (NM_000445.5); c.2506G>A, p.Ala836Thr (NM_201378.4); c.2482G>A, p.Ala828Thr (NM_201379.3); c.2959G>A, p.Ala987Thr (NM_201380.4); c.2452G>A, p.Ala818Thr (NM_201381.3); c.2548G>A, p.Ala850Thr (NM_201382.4); c.2560G>A, p.Ala854Thr (NM_201383.3); short protein forms A818T, A828T, A836T, A850T, A854T, A877T, A987T.
Identifiers: ClinVar variation 129939 (VCV000129939.20), dbSNP rs58836306, ClinGen allele CA154482.